The following is an entry in ClinVar:

NM_021098.3(CACNA1H):c.6978C>G (p.Leu2326=)

Gene: CACNA1H (calcium voltage-gated channel subunit alpha1 H; plus strand). Cytogenetic location: 16p13.3.
Variant type: single nucleotide variant.
Coding change: c.6978C>G on transcript NM_021098.3 (MANE Select); coding-DNA position 6978, C replaced by G.
Protein change: p.Leu2326=; no amino-acid change (leucine 2326 retained).
Molecular consequence: synonymous variant.
Genome position (GRCh38, 1-based): chr16:1,220,910, C>G. VCF-style: chr16-1220910-C-G. GRCh37 (hg19) VCF-style: chr16-1270910-C-G.
Other names: c.6960C>G, p.Leu2320= (NM_001005407.2).
Identifiers: ClinVar variation 3053799 (VCV003053799.2), dbSNP rs2548741124, ClinGen allele CA492888881.

ClinVar aggregate classification (germline): Likely benign (0 of 4 stars; one submission).

Conditions:
CACNA1H-related disorder.

Submission:

PreventionGenetics, part of Exact Sciences
Classification: Likely benign for CACNA1H-related condition. Last evaluated: 2023-08-23. Review status: no assertion criteria provided. Collection method: clinical testing. Allele origin: germline.
Comment: This variant is classified as likely benign based on ACMG/AMP sequence variant interpretation guidelines (Richards et al. 2015 PMID: 25741868, with internal and published modifications).